The following is an entry in ClinVar:

ClinVar aggregate classification (germline): Likely pathogenic (1 of 4 stars; one submission).

Conditions:
Autosomal recessive nonsyndromic hearing loss 77. Identifiers: Orphanet 90636, MedGen C2746083, MONDO:0013119, OMIM 613079.

Allele frequency attached by ClinVar (database versions not stated): gnomAD exomes below 0.00001.
gnomAD v4.1: 2 of 1,551,732 alleles (0.00013%); highest among the groups gnomAD compares: Admixed American, 0.0039%; no homozygotes.

Submission:

Myriad Genetics, Inc.
Classification: Likely pathogenic for Autosomal recessive nonsyndromic hearing loss 77. Last evaluated: 2022-05-07. Review status: criteria provided, single submitter. Criteria: Myriad Women's Health Autosomal Recessive and X-Linked Classification Criteria (2021). Collection method: clinical testing. Allele origin: unknown.
Comment: NM_144612.6(LOXHD1):c.3892C>T(Q1298*) is expected to be pathogenic in the context of LOXHD1-related DFNB77 hearing loss and deafness. This variant is predicted to lead to an abnormal or absent protein product due to the creation of a premature termination codon in LOXHD1, a gene where loss-of-function variants are known to be pathogenic. Please note: this variant was assessed in the context of healthy population screening.

NM_001384474.1(LOXHD1):c.3892C>T (p.Gln1298Ter)

Gene: LOXHD1 (lipoxygenase homology PLAT domains 1; minus strand). Cytogenetic location: 18q21.1.
Variant type: single nucleotide variant.
Coding change: c.3892C>T on transcript NM_001384474.1 (MANE Select); coding-DNA position 3892, C replaced by T.
Protein change: p.Gln1298Ter; replaces glutamine 1298 with a stop codon.
Molecular consequence: nonsense.
Genome position (GRCh38, 1-based): chr18:46,541,797, G>A on the plus strand (C>T on the coding strand, the complement: LOXHD1 is on the minus strand). VCF-style: chr18-46541797-G-A. GRCh37 (hg19) VCF-style: chr18-44121760-G-A.
Other names: c.559C>T, p.Gln187Ter (NM_001145472.3); c.271C>T, p.Gln91Ter (NM_001308013.2); c.3892C>T, p.Gln1298Ter (NM_144612.7); short protein forms Q1298*, Q187*, Q91*.
Identifiers: ClinVar variation 1726030 (VCV001726030.2), dbSNP rs1458502601, ClinGen allele CA402377423.